The following is an entry in ClinVar:

NM_006612.6(KIF1C):c.2299G>A (p.Gly767Arg)

Gene: KIF1C (kinesin family member 1C; plus strand). Cytogenetic location: 17p13.2.
Variant type: single nucleotide variant.
Coding change: c.2299G>A on transcript NM_006612.6 (MANE Select); coding-DNA position 2299, G replaced by A.
Protein change: p.Gly767Arg; replaces glycine 767 with arginine.
Molecular consequence: missense variant.
Genome position (GRCh38, 1-based): chr17:5,022,380, G>A. VCF-style: chr17-5022380-G-A. GRCh37 (hg19) VCF-style: chr17-4925675-G-A.
Other names: p.Gly767Arg; short protein forms G767R.
Identifiers: ClinVar variation 424674 (VCV000424674.61), dbSNP rs118037269, ClinGen allele CA8319262.

ClinVar aggregate classification (germline): Conflicting classifications of pathogenicity. Review status: criteria provided, conflicting classifications (1 of 4 stars). 8 submissions from 8 submitters: Uncertain significance (1); Likely benign (6). 1 of the submissions does not count toward it. Last evaluated 2026-01-01.

Conditions:
KIF1C-related disorder. Also called: KIF1C-related condition.
Spastic ataxia 2. Also called: Ataxia, spastic, 2, autosomal recessive. Identifiers: Orphanet 397946, MedGen C1969796, MONDO:0012651, OMIM 611302.
Hereditary spastic paraplegia. Also called: Familial spastic paraparesis. Identifiers: Orphanet 685, MedGen C0037773, MONDO:0019064. Disease mechanism: loss of function.

Allele frequency attached by ClinVar (database versions not stated): gnomAD exomes 0.00143; TOPMed 0.00154; 1000 Genomes Project 30x 0.00156; gnomAD 0.00157; 1000 Genomes Project 0.00160; ExAC 0.00180; ESP Exome Variant Server 0.00185.
gnomAD v4.1: 4,114 of 1,581,322 alleles (0.26%); highest among the groups gnomAD compares: Non-Finnish European, 0.33%; 8 homozygotes.

Submissions (11):

CeGaT Center for Human Genetics Tuebingen
Classification: Likely benign. Last evaluated: 2026-01-01. Review status: criteria provided, single submitter. Criteria: CeGaT Center For Human Genetics Tuebingen Variant Classification Criteria Version 2. Collection method: clinical testing. Allele origin: germline. Affected: yes. Observed: 5 variant alleles.
Comment: KIF1C: BS2

Labcorp Genetics (formerly Invitae), Labcorp
Classification: Likely benign for Spastic ataxia 2. Last evaluated: 2025-12-19. Review status: criteria provided, single submitter. Criteria: Invitae Variant Classification Sherloc (09022015). Collection method: clinical testing. Allele origin: germline.

Mayo Clinic Laboratories, Mayo Clinic
Classification: Likely benign. Last evaluated: 2025-12-16. Review status: criteria provided, single submitter. Criteria: ACMG Guidelines, 2015. Collection method: clinical testing. Allele origin: germline. Observed: 6 variant alleles.
Comment: BS1, BP4

Blueprint Genetics
Classification: Likely benign. Last evaluated: 2024-11-19. Review status: criteria provided, single submitter. Criteria: ACMG Guidelines, 2015. Collection method: clinical testing. Allele origin: germline.

GeneDx
Classification: Likely benign. Last evaluated: 2023-06-18. Review status: criteria provided, single submitter. Criteria: GeneDx Variant Classification Process June 2021. Collection method: clinical testing. Allele origin: germline. Affected: yes.
Comment: See Variant Classification Assertion Criteria.

Genome Diagnostics Laboratory, The Hospital for Sick Children
Classification: Likely benign for Hereditary spastic paraplegia. Last evaluated: 2020-11-17. Review status: criteria provided, single submitter. Criteria: ACMG Guidelines, 2015. Collection method: clinical testing. Allele origin: germline. Affected: yes.

Unit for Genetic & Epidemiological Research on Neurological Disorders, Instituto de Investigação e Inovação em Saúde
Classification: Uncertain significance for Hereditary spastic paraplegia. Last evaluated: 2017-03-07. Review status: criteria provided, single submitter. Criteria: Morais et al. (Eur J Hum Genet. 2017). Collection method: research. Allele origin: unknown. Affected: yes.

PreventionGenetics, part of Exact Sciences
Classification: Likely benign for KIF1C-related condition. Last evaluated: 2022-02-04. Review status: no assertion criteria provided. Collection method: clinical testing. Allele origin: germline. Not counted in ClinVar's aggregate classification.
Comment: This variant is classified as likely benign based on ACMG/AMP sequence variant interpretation guidelines (Richards et al. 2015 PMID: 25741868, with internal and published modifications).

Dr. Peter K. Rogan Lab, Western University
No classification provided (evidence only). Condition: Acute myeloid leukemia. Review status: no classification provided. Collection method: in vitro. Allele origin: not applicable. Functional consequence: retained intron. Not counted in ClinVar's aggregate classification.

Dr. Peter K. Rogan Lab, Western University
No classification provided (evidence only). Condition: Colorectal cancer. Review status: no classification provided. Collection method: in vitro. Allele origin: not applicable. Functional consequence: retained intron. Not counted in ClinVar's aggregate classification.

Dr. Peter K. Rogan Lab, Western University
No classification provided (evidence only). Condition: Ovarian serous cystadenocarcinoma. Review status: no classification provided. Collection method: in vitro. Allele origin: not applicable. Functional consequence: retained intron. Not counted in ClinVar's aggregate classification.

Literature cited by the submitters: PubMed 28832565 (cited by Mayo Clinic Laboratories, Mayo Clinic).